The following is an entry in ClinVar:

ClinVar aggregate classification (germline): Pathogenic. Review status: criteria provided, single submitter (1 of 4 stars). 3 submissions from 3 submitters: Pathogenic (1). 2 of the submissions do not count toward it. Last evaluated 2024-06-07.

Conditions:
Mucopolysaccharidosis, MPS-II (MPS2). Also called: Mucopolysaccharidosis with skin involvement; Mucopolysaccharidosis type 2; Mucopolysaccharidosis Type II; SIDS deficiency; IDS deficiency; Sulfoiduronate sulfatase deficiency. Identifiers: Orphanet 580, Orphanet 79388, MedGen C0026705, MONDO:0010674, OMIM 309900.

Submissions (3):

Laboratory of Diagnosis and Therapy of Lysosomal Disorders, University of Padova
Classification: Pathogenic for Mucopolysaccharidosis, MPS-II. Last evaluated: 2024-06-07. Review status: criteria provided, single submitter. Criteria: ACMG Guidelines, 2015. Collection method: literature only. Allele origin: germline. Affected: yes. Observed: 3 variant alleles.
Comment: Located in a mutational hot spot and/or critical functional domain (PM1_Moderate), Absent from controls (or at low frequency) in gnomAD database (PM2_Moderate), Missense variant in a gene with a low rate of benign missense variation (PP2_Supporting), Multiple lines of computational evidence support a deleterious effect (PP3_Supporting), Patient’s phenotype or family history highly specific for the disease (PP4_Strong)

Classification method: ACMG Guidelines [PMID:25741868] with modifications

OMIM
Classification: Pathogenic for MUCOPOLYSACCHARIDOSIS, TYPE II. Last evaluated: 1992-08-01. Review status: no assertion criteria provided. Collection method: literature only. Allele origin: germline. Not counted in ClinVar's aggregate classification.

Molecular Biology Laboratory, Department of Zoology, Quaid-i-azam University
Classification: Likely pathogenic for Mucopolysaccharidosis, MPS-II. Review status: no assertion criteria provided. Collection method: research. Allele origin: inherited. Affected: yes. Not counted in ClinVar's aggregate classification.

Literature cited by the submitters: PubMed 1303211 (cited by Laboratory of Diagnosis and Therapy of Lysosomal Disorders, University of Padova and OMIM); PubMed 8281149 (cited by Laboratory of Diagnosis and Therapy of Lysosomal Disorders, University of Padova); PubMed 8111411 (cited by Laboratory of Diagnosis and Therapy of Lysosomal Disorders, University of Padova); PubMed 7887413 (cited by Laboratory of Diagnosis and Therapy of Lysosomal Disorders, University of Padova).

NM_000202.8(IDS):c.1264T>G (p.Cys422Gly)

Gene: IDS (iduronate 2-sulfatase; minus strand). Cytogenetic location: Xq28.
Variant type: single nucleotide variant.
Coding change: c.1264T>G on transcript NM_000202.8 (MANE Select); coding-DNA position 1264, T replaced by G.
Protein change: p.Cys422Gly; replaces cysteine 422 with glycine.
Molecular consequence: missense variant.
Genome position (GRCh38, 1-based): chrX:149,483,135, A>C on the plus strand (T>G on the coding strand, the complement: IDS is on the minus strand). VCF-style: chrX-149483135-A-C. GRCh37 (hg19) VCF-style: chrX-148564666-A-C.
Other names: c.994T>G, p.Cys332Gly (NM_001166550.4); short protein forms C422G, C332G.
Identifiers: ClinVar variation 10493 (VCV000010493.4), dbSNP rs199422229, ClinGen allele CA255274.